The following is an entry in ClinVar:

ClinVar aggregate classification (germline): Uncertain significance (1 of 4 stars; one submission).

Conditions:
Fanconi anemia (FA). Also called: Fanconi's anemia. Identifiers: Orphanet 84, MedGen C0015625, MeSH D005199, MONDO:0019391.

Allele frequency attached by ClinVar (database versions not stated): gnomAD exomes below 0.00001.
gnomAD v4.1: 1 of 1,613,974 alleles (0.000062%); highest among the groups gnomAD compares: Non-Finnish European, 0.000085%; no homozygotes.

Submission:

Labcorp Genetics (formerly Invitae), Labcorp
Classification: Uncertain significance for Fanconi anemia. Last evaluated: 2023-08-18. Review status: criteria provided, single submitter. Criteria: Invitae Variant Classification Sherloc (09022015). Collection method: clinical testing. Allele origin: germline.
Comment: This variant is not present in population databases (gnomAD no frequency). In summary, the available evidence is currently insufficient to determine the role of this variant in disease. Therefore, it has been classified as a Variant of Uncertain Significance. Advanced modeling of protein sequence and biophysical properties (such as structural, functional, and spatial information, amino acid conservation, physicochemical variation, residue mobility, and thermodynamic stability) has been performed at Invitae for this missense variant, however the output from this modeling did not meet the statistical confidence thresholds required to predict the impact of this variant on FANCA protein function. ClinVar contains an entry for this variant (Variation ID: 1430328). This variant has not been reported in the literature in individuals affected with FANCA-related conditions. This sequence change replaces valine, which is neutral and non-polar, with glycine, which is neutral and non-polar, at codon 580 of the FANCA protein (p.Val580Gly).

NM_000135.4(FANCA):c.1739T>G (p.Val580Gly)

Gene: FANCA (FA complementation group A; minus strand). Cytogenetic location: 16q24.3.
Variant type: single nucleotide variant.
Coding change: c.1739T>G on transcript NM_000135.4 (MANE Select); coding-DNA position 1739, T replaced by G.
Protein change: p.Val580Gly; replaces valine 580 with glycine.
Molecular consequence: missense variant.
Genome position (GRCh38, 1-based): chr16:89,778,980, A>C on the plus strand (T>G on the coding strand, the complement: FANCA is on the minus strand). VCF-style: chr16-89778980-A-C. GRCh37 (hg19) VCF-style: chr16-89845388-A-C.
Other names: c.1739T>G, p.Val580Gly (NM_001286167.3); short protein forms V580G.
Identifiers: ClinVar variation 1430328 (VCV001430328.8), dbSNP rs2143424514, ClinGen allele CA397454855.